The following is an entry in ClinVar:

ClinVar aggregate classification (germline): Pathogenic (1 of 4 stars; one submission).

Conditions:
Hereditary cancer-predisposing syndrome. Also called: Tumor predisposition; Hereditary Cancer Syndrome; Hereditary neoplastic syndrome; Neoplastic Syndromes, Hereditary. Identifiers: Orphanet 140162, MedGen C0027672, MeSH D009386, MONDO:0015356.

Submission:

Ambry Genetics
Classification: Pathogenic for Hereditary cancer-predisposing syndrome. Last evaluated: 2023-07-06. Review status: criteria provided, single submitter. Criteria: Ambry Variant Classification Scheme 2023. Collection method: clinical testing. Allele origin: germline.
Comment: The p.E443* pathogenic mutation (also known as c.1327G>T), located in coding exon 12 of the NF2 gene, results from a G to T substitution at nucleotide position 1327. This changes the amino acid from a glutamic acid to a stop codon within coding exon 12. This alteration has been observed in at least one individual with a personal and/or family history that is consistent with NF2-related disease (Ambry internal data). This variant is considered to be rare based on population cohorts in the Genome Aggregation Database (gnomAD). This alteration is expected to result in loss of function by premature protein truncation or nonsense-mediated mRNA decay. As such, this alteration is interpreted as a disease-causing mutation.

NM_000268.4(NF2):c.1327G>T (p.Glu443Ter)

Gene: NF2 (NF2, moesin-ezrin-radixin like (MERLIN) tumor suppressor; plus strand). Cytogenetic location: 22q12.2.
Variant type: single nucleotide variant.
Coding change: c.1327G>T on transcript NM_000268.4 (MANE Select); coding-DNA position 1327, G replaced by T.
Protein change: p.Glu443Ter; replaces glutamic acid 443 with a stop codon.
Molecular consequence: nonsense. On other transcripts: intron variant (1).
Genome position (GRCh38, 1-based): chr22:29,673,473, G>T. VCF-style: chr22-29673473-G-T. GRCh37 (hg19) VCF-style: chr22-30069462-G-T.
Other names: c.1213G>T, p.Glu405Ter (NM_001407053.1, NM_001407056.1); c.1204G>T, p.Glu402Ter (NM_001407054.1, NM_001407058.1, NM_181829.3); c.1201G>T, p.Glu401Ter (NM_001407055.1, NM_181828.3); c.1192G>T, p.Glu398Ter (NM_001407057.1, NM_001407059.1); c.1327G>T, p.Glu443Ter (NM_001407060.1, NM_001407066.1, NM_016418.5 and 2 more transcripts); c.1069G>T, p.Glu357Ter (NM_001407062.1); c.1078G>T, p.Glu360Ter (NM_001407063.1, NM_001407064.1, NM_181830.3 and 1 more transcripts); c.793G>T, p.Glu265Ter (NM_001407065.1); and 2 more; short protein forms E360*, E398*, E401*, E265*, E443*, E357*, E366*, E402*.
Identifiers: ClinVar variation 2587698 (VCV002587698.2), dbSNP rs1181051479, ClinGen allele CA411148687.
Genomic context (GRCh38, chr22:29,673,473, plus strand): 5'-AAGCGCCTGATGGAGCAGAAGGTGCTGGAAGCCGAGGTGCTGGCACTGAAGATGGCTGAG[G>T]AGTCAGAGAGGAGGTGAGGGGGCACCGGGCACCAGACTGGCGAGGAGGCTGGCGAAGGGC-3'